The following is an entry in ClinVar:

ClinVar aggregate classification (germline): Uncertain significance (1 of 4 stars; one submission).

Conditions:
Zellweger spectrum disorders (ZS). Also called: Zellweger Spectrum Disorder; Zellweger Spectrum; Zellweger syndrome; Zellweger Spectrum Disorder (ZSD). Identifiers: Orphanet 912, MedGen C0043459, MONDO:0019609.

Submission:

Labcorp Genetics (formerly Invitae), Labcorp
Classification: Uncertain significance for Zellweger spectrum disorders. Last evaluated: 2024-10-07. Review status: criteria provided, single submitter. Criteria: Invitae Variant Classification Sherloc (09022015). Collection method: clinical testing. Allele origin: germline.
Comment: This sequence change replaces serine, which is neutral and polar, with leucine, which is neutral and non-polar, at codon 649 of the PEX1 protein (p.Ser649Leu). This variant is not present in population databases (gnomAD no frequency). This variant has not been reported in the literature in individuals affected with PEX1-related conditions. ClinVar contains an entry for this variant (Variation ID: 2171658). Invitae Evidence Modeling of protein sequence and biophysical properties (such as structural, functional, and spatial information, amino acid conservation, physicochemical variation, residue mobility, and thermodynamic stability) indicates that this missense variant is not expected to disrupt PEX1 protein function with a negative predictive value of 95%. In summary, the available evidence is currently insufficient to determine the role of this variant in disease. Therefore, it has been classified as a Variant of Uncertain Significance.

NM_000466.3(PEX1):c.1946C>T (p.Ser649Leu)

Gene: PEX1 (peroxisomal biogenesis factor 1; minus strand). Cytogenetic location: 7q21.2.
Variant type: single nucleotide variant.
Coding change: c.1946C>T on transcript NM_000466.3 (MANE Select); coding-DNA position 1946, C replaced by T.
Protein change: p.Ser649Leu; replaces serine 649 with leucine.
Molecular consequence: missense variant. On other transcripts: intron variant (1).
Genome position (GRCh38, 1-based): chr7:92,504,857, G>A on the plus strand (C>T on the coding strand, the complement: PEX1 is on the minus strand). VCF-style: chr7-92504857-G-A. GRCh37 (hg19) VCF-style: chr7-92134171-G-A.
Other names: c.1322C>T, p.Ser441Leu (NM_001282678.2); c.1900+1391C>T (NM_001282677.2); short protein forms S441L, S649L.
Identifiers: ClinVar variation 2171658 (VCV002171658.3), dbSNP rs2484668832, ClinGen allele CA368183888.